The following is an entry in ClinVar:

ClinVar aggregate classification (germline): Uncertain significance (1 of 4 stars; one submission).

Allele frequency attached by ClinVar (database versions not stated): gnomAD 0.00001.
gnomAD v4.1: 2 of 1,593,176 alleles (0.00013%); highest among the groups gnomAD compares: African/African-American, 0.0014%; no homozygotes.

Submission:

Labcorp Genetics (formerly Invitae), Labcorp
Classification: Uncertain significance. Last evaluated: 2025-07-09. Review status: criteria provided, single submitter. Criteria: Invitae Variant Classification Sherloc (09022015). Collection method: clinical testing. Allele origin: germline.
Comment: This sequence change replaces glutamic acid, which is acidic and polar, with aspartic acid, which is acidic and polar, at codon 1333 of the ALPK3 protein (p.Glu1333Asp). This variant is not present in population databases (gnomAD no frequency). This variant has not been reported in the literature in individuals affected with ALPK3-related conditions. ClinVar contains an entry for this variant (Variation ID: 1467372). Invitae Evidence Modeling of protein sequence and biophysical properties (such as structural, functional, and spatial information, amino acid conservation, physicochemical variation, residue mobility, and thermodynamic stability) indicates that this missense variant is not expected to disrupt ALPK3 protein function with a negative predictive value of 80%. In summary, the available evidence is currently insufficient to determine the role of this variant in disease. Therefore, it has been classified as a Variant of Uncertain Significance.

NM_020778.5(ALPK3):c.3393G>T (p.Glu1131Asp)

Gene: ALPK3 (alpha kinase 3; plus strand). Cytogenetic location: 15q25.3.
Variant type: single nucleotide variant.
Coding change: c.3393G>T on transcript NM_020778.5 (MANE Select); coding-DNA position 3393, G replaced by T.
Protein change: p.Glu1131Asp; replaces glutamic acid 1131 with aspartic acid.
Molecular consequence: missense variant.
Genome position (GRCh38, 1-based): chr15:84,858,131, G>T. VCF-style: chr15-84858131-G-T. GRCh37 (hg19) VCF-style: chr15-85401362-G-T.
Other names: short protein forms E1131D.
Identifiers: ClinVar variation 1467372 (VCV001467372.6), dbSNP rs934462659, ClinGen allele CA273625398.